The following is an entry in ClinVar:

ClinVar aggregate classification (germline): Likely benign. Review status: criteria provided, multiple submitters, no conflicts (2 of 4 stars). 4 submissions from 4 submitters: Likely benign (3). 1 of the submissions does not count toward it. Last evaluated 2026-01-20.

Conditions:
Hermansky-Pudlak syndrome 1 (HPS1). Also called: DELTA STORAGE POOL DISEASE. Identifiers: Orphanet 231500, Orphanet 79430, MedGen C2931875, MONDO:0008748, OMIM 203300.
HPS1-related disorder. Also called: HPS1-related condition.
Hermansky-Pudlak syndrome (HPS). Also called: ALBINISM WITH HEMORRHAGIC DIATHESIS AND PIGMENTED RETICULOENDOTHELIAL CELLS. Identifiers: Orphanet 79430, MedGen C0079504, MONDO:0019312.

Allele frequency attached by ClinVar (database versions not stated): gnomAD 0.00003 and 0.00004; TOPMed 0.00003; gnomAD exomes 0.00006; ExAC 0.00008.
gnomAD v4.1: 38 of 1,613,764 alleles (0.0024%); highest among the groups gnomAD compares: East Asian, 0.042%; no homozygotes.

Submissions (4):

Labcorp Genetics (formerly Invitae), Labcorp
Classification: Likely benign. Last evaluated: 2026-01-20. Review status: criteria provided, single submitter. Criteria: Invitae Variant Classification Sherloc (09022015). Collection method: clinical testing. Allele origin: germline.

PreventionGenetics, part of Exact Sciences
Classification: Likely benign for HPS1-related condition. Last evaluated: 2025-11-24. Review status: criteria provided, single submitter. Criteria: ACMG Guidelines, 2015. Collection method: clinical testing. Allele origin: germline.
Comment: This variant is classified as likely benign based on ACMG/AMP sequence variant interpretation guidelines (Richards et al. 2015 PMID: 25741868, with internal and published modifications).

Fulgent Genetics
Classification: Likely benign for Hermansky-Pudlak syndrome 1. Last evaluated: 2021-09-13. Review status: criteria provided, single submitter. Criteria: ACMG Guidelines, 2015. Collection method: clinical testing. Allele origin: unknown.

Natera, Inc.
Classification: Uncertain significance for Hermansky-Pudlak syndrome. Last evaluated: 2020-04-10. Review status: no assertion criteria provided. Collection method: clinical testing. Allele origin: germline. Not counted in ClinVar's aggregate classification.

NM_000195.5(HPS1):c.1977C>T (p.Thr659=)

Gene: HPS1 (HPS1 biogenesis of lysosomal organelles complex 3 subunit 1; minus strand). Cytogenetic location: 10q24.2.
Variant type: single nucleotide variant.
Coding change: c.1977C>T on transcript NM_000195.5 (MANE Select); coding-DNA position 1977, C replaced by T.
Protein change: p.Thr659=; no amino-acid change (threonine 659 retained).
Molecular consequence: synonymous variant.
Genome position (GRCh38, 1-based): chr10:98,417,690, G>A on the plus strand (C>T on the coding strand, the complement: HPS1 is on the minus strand). VCF-style: chr10-98417690-G-A. GRCh37 (hg19) VCF-style: chr10-100177447-G-A.
Other names: c.1977C>T (NM_000195.4); c.1005C>T, p.Thr335= (NM_001311345.2, NM_001322487.2, NM_001322489.2); c.1977C>T, p.Thr659= (NM_001322476.2, NM_001322477.2); c.1878C>T, p.Thr626= (NM_001322478.2, NM_001322479.2); c.1716C>T, p.Thr572= (NM_001322480.2, NM_001322481.2); c.1617C>T, p.Thr539= (NM_001322482.2); c.1608C>T, p.Thr536= (NM_001322483.2, NM_001322484.2); c.1509C>T, p.Thr503= (NM_001322485.2).
Identifiers: ClinVar variation 990175 (VCV000990175.11), dbSNP rs751349303, ClinGen allele CA5638806.